The following is an entry in ClinVar:

ClinVar aggregate classification (germline): Conflicting classifications of pathogenicity. Review status: criteria provided, conflicting classifications (1 of 4 stars). 2 submissions from 2 submitters: Uncertain significance (1); Likely benign (1). Last evaluated 2023-06-15.

Conditions:
Hereditary cancer-predisposing syndrome. Also called: Tumor predisposition; Hereditary neoplastic syndrome; Neoplastic Syndromes, Hereditary; Hereditary Cancer Syndrome. Identifiers: Orphanet 140162, MedGen C0027672, MeSH D009386, MONDO:0015356.

Allele frequency attached by ClinVar (database versions not stated): gnomAD exomes below 0.00001.
gnomAD v4.1: 2 of 1,607,890 alleles (0.00012%); highest among the groups gnomAD compares: Admixed American, 0.0017%; no homozygotes.

Submissions (2):

Labcorp Genetics (formerly Invitae), Labcorp
Classification: Uncertain significance. Last evaluated: 2023-06-15. Review status: criteria provided, single submitter. Criteria: Invitae Variant Classification Sherloc (09022015). Collection method: clinical testing. Allele origin: germline.
Comment: This sequence change replaces isoleucine, which is neutral and non-polar, with valine, which is neutral and non-polar, at codon 348 of the MSH3 protein (p.Ile348Val). This variant is present in population databases (no rsID available, gnomAD 0.003%). This variant has not been reported in the literature in individuals affected with MSH3-related conditions. ClinVar contains an entry for this variant (Variation ID: 1010820). Algorithms developed to predict the effect of missense changes on protein structure and function output the following: SIFT: "Not Available"; PolyPhen-2: "Benign"; Align-GVGD: "Not Available". The valine amino acid residue is found in multiple mammalian species, which suggests that this missense change does not adversely affect protein function. Algorithms developed to predict the effect of sequence changes on RNA splicing suggest that this variant may create or strengthen a splice site. In summary, the available evidence is currently insufficient to determine the role of this variant in disease. Therefore, it has been classified as a Variant of Uncertain Significance.

Ambry Genetics
Classification: Likely benign for Hereditary cancer-predisposing syndrome. Last evaluated: 2021-01-12. Review status: criteria provided, single submitter. Criteria: Ambry Variant Classification Scheme 2023. Collection method: clinical testing. Allele origin: germline.

NM_002439.5(MSH3):c.1042A>G (p.Ile348Val)

Gene: MSH3 (mutS homolog 3; plus strand). Cytogenetic location: 5q14.1.
Variant type: single nucleotide variant.
Coding change: c.1042A>G on transcript NM_002439.5 (MANE Select); coding-DNA position 1042, A replaced by G.
Protein change: p.Ile348Val; replaces isoleucine 348 with valine.
Molecular consequence: missense variant.
Genome position (GRCh38, 1-based): chr5:80,674,997, A>G. VCF-style: chr5-80674997-A-G. GRCh37 (hg19) VCF-style: chr5-79970816-A-G.
Other names: short protein forms I348V.
Identifiers: ClinVar variation 1010820 (VCV001010820.11), dbSNP rs1470780981, ClinGen allele CA360267863.